The following is an entry in ClinVar:

ClinVar aggregate classification (germline): Uncertain significance (1 of 4 stars; one submission).

Allele frequency attached by ClinVar (database versions not stated): TOPMed below 0.00001.

Submission:

Labcorp Genetics (formerly Invitae), Labcorp
Classification: Uncertain significance. Last evaluated: 2025-08-01. Review status: criteria provided, single submitter. Criteria: Invitae Variant Classification Sherloc (09022015). Collection method: clinical testing. Allele origin: germline.
Comment: This sequence change replaces serine, which is neutral and polar, with phenylalanine, which is neutral and non-polar, at codon 7 of the MYCN protein (p.Ser7Phe). This variant is not present in population databases (gnomAD no frequency). This variant has not been reported in the literature in individuals affected with MYCN-related conditions. ClinVar contains an entry for this variant (Variation ID: 2712205). Invitae Evidence Modeling of protein sequence and biophysical properties (such as structural, functional, and spatial information, amino acid conservation, physicochemical variation, residue mobility, and thermodynamic stability) indicates that this missense variant is not expected to disrupt MYCN protein function with a negative predictive value of 95%. In summary, the available evidence is currently insufficient to determine the role of this variant in disease. Therefore, it has been classified as a Variant of Uncertain Significance.

NM_005378.6(MYCN):c.20C>T (p.Ser7Phe)

Genes: MYCN (MYCN proto-oncogene, bHLH transcription factor; plus strand), MYCNOS (MYCN opposite strand; minus strand). Cytogenetic location: 2p24.3.
Variant type: single nucleotide variant.
Coding change: c.20C>T on transcript NM_005378.6 (MANE Select); coding-DNA position 20, C replaced by T.
Protein change: p.Ser7Phe; replaces serine 7 with phenylalanine.
Molecular consequence: missense variant. On other transcripts: synonymous variant (1), intron variant (1).
Genome position (GRCh38, 1-based): chr2:15,942,084, C>T. VCF-style: chr2-15942084-C-T. GRCh37 (hg19) VCF-style: chr2-16082206-C-T.
Other names: c.20C>T, p.Ser7Phe (NM_001293228.2); c.294C>T, p.Val98= (NM_001293233.2); c.157+1341C>T (NM_001293231.2); short protein forms S7F.
Identifiers: ClinVar variation 2712205 (VCV002712205.3), dbSNP rs1395093741, ClinGen allele CA345929975.
Genomic context (GRCh38, chr2:15,942,084, plus strand): 5'-GGCGGAAAGAAGCCCTCAGTCGCCGGCCGGGAGGCGAGCCGATGCCGAGCTGCTCCACGT[C>T]CACCATGCCGGGCATGATCTGCAAGAACCCAGACCTCGAGTTTGACTCGCTACAGCCCTG-3'
Protein context (NP_005369.2, residues 1-17): MPSCST[Ser7Phe]TMPGMICKNP